The following is an entry in ClinVar:

NM_002470.4(MYH3):c.2432C>A (p.Ser811Tyr)

Gene: MYH3 (myosin heavy chain 3; minus strand). Cytogenetic location: 17p13.1.
Variant type: single nucleotide variant.
Coding change: c.2432C>A on transcript NM_002470.4 (MANE Select); coding-DNA position 2432, C replaced by A.
Protein change: p.Ser811Tyr; replaces serine 811 with tyrosine.
Molecular consequence: missense variant.
Genome position (GRCh38, 1-based): chr17:10,640,246, G>T on the plus strand (C>A on the coding strand, the complement: MYH3 is on the minus strand). VCF-style: chr17-10640246-G-T. GRCh37 (hg19) VCF-style: chr17-10543563-G-T.
Other names: short protein forms S811Y.
Identifiers: ClinVar variation 1521724 (VCV001521724.8), dbSNP rs1489090477, ClinGen allele CA398163493.
Genomic context (GRCh38, chr17:10,640,246, plus strand): 5'-ATCCAGGGCCAGTGCTTGACGTTCATGAATGAGCGAATGTTGTACTGGATGCAGAAGATG[G>T]ACTCCCTAAAAACAAGACATTGCTTATTTCTGAGAGAGACTCCCCTTCCCCAAAGAGCTC-3'
Protein context (NP_002461.2, residues 801-821): EFQKMVQRRE[Ser811Tyr]IFCIQYNIRS

ClinVar aggregate classification (germline): Uncertain significance (1 of 4 stars; one submission).

Allele frequency attached by ClinVar (database versions not stated): gnomAD exomes below 0.00001.
gnomAD v4.1: 1 of 1,614,180 alleles (0.000062%); highest among the groups gnomAD compares: Non-Finnish European, 0.000085%; no homozygotes.

Submission:

Labcorp Genetics (formerly Invitae), Labcorp
Classification: Uncertain significance. Last evaluated: 2022-11-15. Review status: criteria provided, single submitter. Criteria: Invitae Variant Classification Sherloc (09022015). Collection method: clinical testing. Allele origin: germline.
Comment: In summary, the available evidence is currently insufficient to determine the role of this variant in disease. Therefore, it has been classified as a Variant of Uncertain Significance. Advanced modeling of protein sequence and biophysical properties (such as structural, functional, and spatial information, amino acid conservation, physicochemical variation, residue mobility, and thermodynamic stability) performed at Invitae indicates that this missense variant is not expected to disrupt MYH3 protein function. ClinVar contains an entry for this variant (Variation ID: 1521724). This variant has not been reported in the literature in individuals affected with MYH3-related conditions. This variant is present in population databases (no rsID available, gnomAD 0.0009%). This sequence change replaces serine, which is neutral and polar, with tyrosine, which is neutral and polar, at codon 811 of the MYH3 protein (p.Ser811Tyr).